The following is an entry in ClinVar:

ClinVar aggregate classification (germline): Likely benign (1 of 4 stars; one submission).

Conditions:
Oroticaciduria. Also called: Orotic aciduria. Identifiers: Orphanet 30, MedGen C0268128, HP:0003218.

Allele frequency attached by ClinVar (database versions not stated): 1000 Genomes Project 0.00859; gnomAD 0.00977 and 0.01010; TOPMed 0.01111; gnomAD exomes 0.01476 and 0.01274; ExAC 0.00876; 1000 Genomes Project 30x 0.00890.
gnomAD v4.1: 5,343 of 453,616 alleles (1.2%); highest among the groups gnomAD compares: Admixed American, 3.6%; 82 homozygotes.

Submission:

Illumina Laboratory Services, Illumina
Classification: Likely benign for Hereditary orotic aciduria. Last evaluated: 2018-01-12. Review status: criteria provided, single submitter. Criteria: ICSL Variant Classification Criteria 13 December 2019. Collection method: clinical testing. Allele origin: germline.
Comment: This variant was observed in the ICSL laboratory as part of a predisposition screen in an ostensibly healthy population. It had not been previously curated by ICSL or reported in the Human Gene Mutation Database (HGMD: prior to June 1st, 2018), and was therefore a candidate for classification through an automated scoring system. Utilizing variant allele frequency, disease prevalence and penetrance estimates, and inheritance mode, an automated score was calculated to assess if this variant is too frequent to cause the disease. Based on the score and internal cut-off values, a variant classified as likely benign is not then subjected to further curation. The score for this variant resulted in a classification of likely benign for this disease.

NM_000373.4(UMPS):c.*2901G>C

Gene: UMPS (uridine monophosphate synthetase; plus strand). Cytogenetic location: 3q21.2.
Variant type: single nucleotide variant.
Coding change: c.*2901G>C on transcript NM_000373.4 (MANE Select); 2901 bases downstream of the stop codon, G replaced by C.
Molecular consequence: 3 prime UTR variant. On other transcripts: non-coding transcript variant (2).
Genome position (GRCh38, 1-based): chr3:124,746,985, G>C. VCF-style: chr3-124746985-G-C. GRCh37 (hg19) VCF-style: chr3-124465832-G-C.
Identifiers: ClinVar variation 342990 (VCV000342990.5), dbSNP rs144492816, ClinGen allele CA2582079.
Genomic context (GRCh38, chr3:124,746,985, plus strand): 5'-ATCTCAGTCCCAACACTCACCCTTGTGCTACTGAGTCAGCTCTAAGAAAATCTGCCAAAA[G>C]TAGGCCGAGGGCTGGTTTTTTGTTTTGTTTTGTTTGTTTGATACAGGGTCTTCACTCTGT-3'